The following is an entry in ClinVar:

ClinVar aggregate classification (germline): Uncertain significance (1 of 4 stars; one submission).

Conditions:
Inborn genetic diseases. Identifiers: MedGen C0950123, MeSH D030342.

gnomAD v4.1: 1 of 1,607,034 alleles (0.000062%); highest among the groups gnomAD compares: Admixed American, 0.0017%; no homozygotes.

Submission:

Ambry Genetics
Classification: Uncertain significance for Inborn genetic diseases. Last evaluated: 2026-04-01. Review status: criteria provided, single submitter. Criteria: Ambry Variant Classification Scheme 2023. Collection method: clinical testing. Allele origin: germline.
Comment: The c.1825A>G (p.T609A) alteration is located in exon 17 (coding exon 16) of the ATP8B1 gene. This alteration results from a A to G substitution at nucleotide position 1825, causing the threonine (T) at amino acid position 609 to be replaced by an alanine (A). Based on data from gnomAD, the G allele has an overall frequency of <0.001% (1/251428) total alleles studied. The highest observed frequency was 0.003% (1/34580) of Latino alleles. Based on insufficient or conflicting evidence, the clinical significance of this alteration remains unclear.

NM_001374385.1(ATP8B1):c.1825A>G (p.Thr609Ala)

Gene: ATP8B1 (ATPase phospholipid transporting 8B1; minus strand). Cytogenetic location: 18q21.31.
Variant type: single nucleotide variant.
Coding change: c.1825A>G on transcript NM_001374385.1 (MANE Select); coding-DNA position 1825, A replaced by G.
Protein change: p.Thr609Ala; replaces threonine 609 with alanine.
Molecular consequence: missense variant.
Genome position (GRCh38, 1-based): chr18:57,671,575, T>C on the plus strand (A>G on the coding strand, the complement: ATP8B1 is on the minus strand). VCF-style: chr18-57671575-T-C. GRCh37 (hg19) VCF-style: chr18-55338807-T-C.
Other names: c.1675A>G, p.Thr559Ala (NM_001374386.1); c.1825A>G, p.Thr609Ala (NM_005603.6); short protein forms T559A, T609A.
Identifiers: ClinVar variation 4867173 (VCV004867173.1).